The following is an entry in ClinVar:

ClinVar aggregate classification (germline): Benign. Review status: criteria provided, multiple submitters, no conflicts (2 of 4 stars). 3 submissions from 3 submitters: Benign (2). 1 of the submissions does not count toward it. Last evaluated 2026-02-04.

Conditions:
IGSF10-related disorder. Also called: IGSF10-related condition.

Allele frequency attached by ClinVar (database versions not stated): TOPMed 0.65901; 1000 Genomes Project 0.59185; ExAC 0.67608; gnomAD exomes 0.72777 and 0.67255; 1000 Genomes Project 30x 0.58932; gnomAD 0.66904 and 0.66704; ESP Exome Variant Server 0.68345.
gnomAD v4.1: 1,164,805 of 1,613,282 alleles (72%); highest among the groups gnomAD compares: Middle Eastern, 86%; 426,945 homozygotes.

Submissions (3):

Labcorp Genetics (formerly Invitae), Labcorp
Classification: Benign. Last evaluated: 2026-02-04. Review status: criteria provided, single submitter. Criteria: Invitae Variant Classification Sherloc (09022015). Collection method: clinical testing. Allele origin: germline.

Breakthrough Genomics
Classification: Benign. Review status: criteria provided, single submitter. Criteria: ACMG Guidelines, 2015. Collection method: not provided. Allele origin: germline. Inheritance: Unknown mechanism. Affected: yes.

PreventionGenetics, part of Exact Sciences
Classification: Benign for IGSF10-related condition. Last evaluated: 2019-10-21. Review status: no assertion criteria provided. Collection method: clinical testing. Allele origin: germline. Not counted in ClinVar's aggregate classification.
Comment: This variant is classified as benign based on ACMG/AMP sequence variant interpretation guidelines (Richards et al. 2015 PMID: 25741868, with internal and published modifications).

NM_178822.5(IGSF10):c.6729C>T (p.Asn2243=)

Gene: IGSF10 (immunoglobulin superfamily member 10; minus strand). Cytogenetic location: 3q25.1.
Variant type: single nucleotide variant.
Coding change: c.6729C>T on transcript NM_178822.5 (MANE Select); coding-DNA position 6729, C replaced by T.
Protein change: p.Asn2243=; no amino-acid change (asparagine 2243 retained).
Molecular consequence: synonymous variant.
Genome position (GRCh38, 1-based): chr3:151,437,832, G>A on the plus strand (C>T on the coding strand, the complement: IGSF10 is on the minus strand). VCF-style: chr3-151437832-G-A. GRCh37 (hg19) VCF-style: chr3-151155620-G-A.
Other names: c.6729C>T (NM_178822.4); c.666C>T, p.Asn222= (NM_001178145.3, NM_001178146.3); c.6729C>T, p.Asn2243= (NM_001385060.1, NM_001385061.1, NM_001385062.1 and 1 more transcripts).
Identifiers: ClinVar variation 1600158 (VCV001600158.11), dbSNP rs6781302, ClinGen allele CA2669445.